The following is an entry in ClinVar:

NM_018646.6(TRPV6):c.830A>G (p.Asn277Ser)

Gene: TRPV6 (transient receptor potential cation channel subfamily V member 6; minus strand). Cytogenetic location: 7q34.
Variant type: single nucleotide variant.
Coding change: c.830A>G on transcript NM_018646.6 (MANE Select); coding-DNA position 830, A replaced by G.
Protein change: p.Asn277Ser; replaces asparagine 277 with serine.
Molecular consequence: missense variant.
Genome position (GRCh38, 1-based): chr7:142,876,460, T>C on the plus strand (A>G on the coding strand, the complement: TRPV6 is on the minus strand). VCF-style: chr7-142876460-T-C. GRCh37 (hg19) VCF-style: chr7-142574213-T-C.
Other names: short protein forms N277S.
Identifiers: ClinVar variation 1310335 (VCV001310335.2), dbSNP rs1004130488, ClinGen allele CA168191532.

ClinVar aggregate classification (germline): Uncertain significance (1 of 4 stars; one submission).

Allele frequency attached by ClinVar (database versions not stated): gnomAD exomes below 0.00001.

Submission:

GeneDx
Classification: Uncertain significance. Last evaluated: 2019-11-11. Review status: criteria provided, single submitter. Criteria: GeneDx Variant Classification Process June 2021. Collection method: clinical testing. Allele origin: germline. Affected: yes.
Comment: Not observed in large population cohorts (Lek et al., 2016); In silico analysis, which includes protein predictors and evolutionary conservation, supports a deleterious effect; Has not been previously published as pathogenic or benign to our knowledge